The following is an entry in ClinVar:

NM_000352.6(ABCC8):c.1238C>G (p.Thr413Ser)

Gene: ABCC8 (ATP binding cassette subfamily C member 8; minus strand). Cytogenetic location: 11p15.1.
Variant type: single nucleotide variant.
Coding change: c.1238C>G on transcript NM_000352.6 (MANE Select); coding-DNA position 1238, C replaced by G.
Protein change: p.Thr413Ser; replaces threonine 413 with serine.
Molecular consequence: missense variant. On other transcripts: non-coding transcript variant (1).
Genome position (GRCh38, 1-based): chr11:17,448,610, G>C on the plus strand (C>G on the coding strand, the complement: ABCC8 is on the minus strand). VCF-style: chr11-17448610-G-C. GRCh37 (hg19) VCF-style: chr11-17470157-G-C.
Other names: c.1238C>G, p.Thr413Ser (NM_001287174.3, NM_001351295.2); c.1235C>G, p.Thr412Ser (NM_001351296.2, NM_001351297.2); short protein forms T412S, T413S.
Identifiers: ClinVar variation 3233730 (VCV003233730.2), dbSNP rs1956634137, ClinGen allele CA379768698.
Genomic context (GRCh38, chr11:17,448,610, plus strand): 5'-AAGAAAAACCACATGAGCTGATTGGTGTCGATGGCAACCAGATTACAGATCTGTCCAGCA[G>C]TCATTTCTCCCATGGACAGGTTGGAGGTGGACAGGTGCATAATTTTATTGTAAATCTTGG-3'
Protein context (NP_000343.2, residues 403-423): STSNLSMGEM[Thr413Ser]AGQICNLVAI

ClinVar aggregate classification (germline): Uncertain significance (1 of 4 stars; one submission).

Allele frequency attached by ClinVar (database versions not stated): gnomAD exomes below 0.00001; gnomAD 0.00001.
gnomAD v4.1: 2 of 1,614,098 alleles (0.00012%); highest among the groups gnomAD compares: Admixed American, 0.0017%; no homozygotes.

Submission:

Women's Health and Genetics/Laboratory Corporation of America, LabCorp
Classification: Uncertain significance. Last evaluated: 2024-03-28. Review status: criteria provided, single submitter. Criteria: LabCorp Variant Classification Summary - May 2015. Collection method: clinical testing. Allele origin: germline.
Comment: Variant summary: ABCC8 c.1238C>G (p.Thr413Ser) results in a conservative amino acid change located in the ABC transporter type 1, transmembrane domain (IPR011527) of the encoded protein sequence. Three of five in-silico tools predict a benign effect of the variant on protein function. The variant was absent in 251476 control chromosomes (gnomAD). The available data on variant occurrences in the general population are insufficient to allow any conclusion about variant significance. c.1238C>G has been reported in the literature in one individual affected with diabetes. The report does not provide unequivocal conclusions about association of the variant with Familial Hyperinsulinism. To our knowledge, no experimental evidence demonstrating an impact on protein function has been reported. The following publication have been ascertained in the context of this evaluation (PMID: 32027066). No submitters have cited clinical-significance assessments for this variant to ClinVar. Based on the evidence outlined above, the variant was classified as uncertain significance.

Literature cited by the submitters: PubMed 32027066.